The following is an entry in ClinVar:

ClinVar aggregate classification (germline): Uncertain significance (1 of 4 stars; one submission).

Conditions:
Familial thoracic aortic aneurysm and aortic dissection (TAAD). Also called: Thoracic aortic aneurysms and dissections. Identifiers: Orphanet 91387, MedGen C4707243, MONDO:0019625.

Submission:

All of Us Research Program, National Institutes of Health
Classification: Uncertain significance for Familial thoracic aortic aneurysm and aortic dissection. Last evaluated: 2024-06-11. Review status: criteria provided, single submitter. Criteria: ACMG Guidelines, 2015. Collection method: clinical testing. Allele origin: germline. Inheritance: Autosomal dominant inheritance. Observed: 1 variant allele, 1 heterozygote.
Comment: This study involves interpretation of variants in research participants for the purpose of population health screening. Participant phenotype was not available at the time of variant classification. Additional details can be found in publication PMID: 35346344, PMCID: PMC8962531

NM_002474.3(MYH11):c.2912T>C (p.Leu971Pro)

Gene: MYH11 (myosin heavy chain 11; minus strand). Cytogenetic location: 16p13.11.
Variant type: single nucleotide variant.
Coding change: c.2912T>C on transcript NM_002474.3 (MANE Select); coding-DNA position 2912, T replaced by C.
Protein change: p.Leu971Pro; replaces leucine 971 with proline.
Molecular consequence: missense variant.
Genome position (GRCh38, 1-based): chr16:15,740,136, A>G on the plus strand (T>C on the coding strand, the complement: MYH11 is on the minus strand). VCF-style: chr16-15740136-A-G. GRCh37 (hg19) VCF-style: chr16-15833993-A-G.
Other names: c.2933T>C, p.Leu978Pro (NM_001040113.2, NM_001040114.2); c.2912T>C, p.Leu971Pro (NM_022844.3); short protein forms L971P, L978P.
Identifiers: ClinVar variation 3387207 (VCV003387207.1).
Genomic context (GRCh38, chr16:15,740,136, plus strand): 5'-TCCATGACCAGGATCTCATCCTCCAGTTTCTTGATCTTGGCCTCAGCCGTGACCTTCTCA[A>G]GTTGCAGCTTCTGCCTGGCAGCTTCCTCCTCCTCCAGCTGTTCTTCAAGGTCCTTTGTTG-3'
Protein context (NP_002465.1, residues 961-981): EEEAARQKLQ[Leu971Pro]EKVTAEAKIK